The following is an entry in ClinVar:

NM_001378609.3(OTOGL):c.4319C>T (p.Pro1440Leu)

Gene: OTOGL (otogelin like; plus strand). Cytogenetic location: 12q21.31.
Variant type: single nucleotide variant.
Coding change: c.4319C>T on transcript NM_001378609.3 (MANE Select); coding-DNA position 4319, C replaced by T.
Protein change: p.Pro1440Leu; replaces proline 1440 with leucine.
Molecular consequence: missense variant.
Genome position (GRCh38, 1-based): chr12:80,329,090, C>T. VCF-style: chr12-80329090-C-T. GRCh37 (hg19) VCF-style: chr12-80722870-C-T.
Other names: c.4184C>T, p.Pro1395Leu (NM_001368062.3); c.4319C>T, p.Pro1440Leu (NM_001378610.3, NM_173591.7); short protein forms P1395L, P1440L.
Identifiers: ClinVar variation 4685291 (VCV004685291.1).

ClinVar aggregate classification (germline): Uncertain significance (1 of 4 stars; one submission).

Submission:

GeneDx
Classification: Uncertain significance. Last evaluated: 2025-07-10. Review status: criteria provided, single submitter. Criteria: GeneDx Variant Classification Process June 2021. Collection method: clinical testing. Allele origin: germline. Affected: yes.
Comment: Not observed at significant frequency in large population cohorts (gnomAD); In silico analysis supports that this missense variant has a deleterious effect on protein structure/function; Has not been previously published as pathogenic or benign to our knowledge